The following is an entry in ClinVar:

NM_001363711.2(DUOX2):c.3549C>G (p.Phe1183Leu)

Gene: DUOX2 (dual oxidase 2; minus strand). Cytogenetic location: 15q21.1.
Variant type: single nucleotide variant.
Coding change: c.3549C>G on transcript NM_001363711.2 (MANE Select); coding-DNA position 3549, C replaced by G.
Protein change: p.Phe1183Leu; replaces phenylalanine 1183 with leucine.
Molecular consequence: missense variant.
Genome position (GRCh38, 1-based): chr15:45,098,025, G>C on the plus strand (C>G on the coding strand, the complement: DUOX2 is on the minus strand). VCF-style: chr15-45098025-G-C. GRCh37 (hg19) VCF-style: chr15-45390223-G-C.
Other names: c.3549C>G, p.Phe1183Leu (NM_014080.5); short protein forms F1183L.
Identifiers: ClinVar variation 2121400 (VCV002121400.4), dbSNP rs781226985, ClinGen allele CA7537826.

ClinVar aggregate classification (germline): Uncertain significance (1 of 4 stars; one submission).

Allele frequency attached by ClinVar (database versions not stated): ExAC 0.00001; gnomAD 0.00001; gnomAD exomes 0.00001.
gnomAD v4.1: 11 of 1,614,020 alleles (0.00068%); highest among the groups gnomAD compares: South Asian, 0.011%; no homozygotes.

Submission:

Labcorp Genetics (formerly Invitae), Labcorp
Classification: Uncertain significance. Last evaluated: 2022-09-16. Review status: criteria provided, single submitter. Criteria: Invitae Variant Classification Sherloc (09022015). Collection method: clinical testing. Allele origin: germline.
Comment: In summary, the available evidence is currently insufficient to determine the role of this variant in disease. Therefore, it has been classified as a Variant of Uncertain Significance. This sequence change replaces phenylalanine, which is neutral and non-polar, with leucine, which is neutral and non-polar, at codon 1183 of the DUOX2 protein (p.Phe1183Leu). This variant is present in population databases (rs781226985, gnomAD 0.006%). This variant has not been reported in the literature in individuals affected with DUOX2-related conditions. Advanced modeling of protein sequence and biophysical properties (such as structural, functional, and spatial information, amino acid conservation, physicochemical variation, residue mobility, and thermodynamic stability) performed at Invitae indicates that this missense variant is not expected to disrupt DUOX2 protein function.